The following is an entry in ClinVar:

NM_000264.5(PTCH1):c.2560+9G>C

Genes: PTCH1 (patched 1; minus strand), LOC100507346 (uncharacterized LOC100507346; plus strand). Cytogenetic location: 9q22.32.
Variant type: single nucleotide variant.
Coding change: c.2560+9G>C on transcript NM_000264.5 (MANE Select); 9 bases into the intron after coding-DNA position 2560, G replaced by C.
Molecular consequence: intron variant. On other transcripts: non-coding transcript variant (1).
Genome position (GRCh38, 1-based): chr9:95,467,107, C>G on the plus strand (G>C on the coding strand, the complement: PTCH1 is on the minus strand). VCF-style: chr9-95467107-C-G. GRCh37 (hg19) VCF-style: chr9-98229389-C-G.
Other names: p.?; c.2557+9G>C (NM_001083603.3); c.2362+9G>C (NM_001083602.3); c.2404+9G>C (NM_001354918.2); c.2107+9G>C (NM_001083605.3, NM_001083604.3, NM_001083606.3 and 1 more transcripts).
Identifiers: ClinVar variation 255677 (VCV000255677.24), dbSNP rs2066829, ClinGen allele CA5138392.

ClinVar aggregate classification (germline): Benign. Review status: criteria provided, multiple submitters, no conflicts (2 of 4 stars). 13 submissions from 11 submitters: Benign (13). Last evaluated 2026-02-04.

Conditions:
Hereditary cancer-predisposing syndrome. Also called: Hereditary Cancer Syndrome; Tumor predisposition; Hereditary neoplastic syndrome; Neoplastic Syndromes, Hereditary. Identifiers: Orphanet 140162, MedGen C0027672, MeSH D009386, MONDO:0015356.
Holoprosencephaly 7 (HPE7). Identifiers: Orphanet 2162, MedGen C1835820, MONDO:0012562, OMIM 610828.
Gorlin syndrome. Also called: Basal cell nevus syndrome; Nevoid Basal Cell Carcinoma Syndrome. Identifiers: Orphanet 377, MedGen C0004779, MONDO:0007187.

Allele frequency attached by ClinVar (database versions not stated): gnomAD exomes 0.34710 and 0.35586; ExAC 0.35830; 1000 Genomes Project 0.39058; 1000 Genomes Project 30x 0.39350; gnomAD 0.43016 and 0.44128; TOPMed 0.43113; ESP Exome Variant Server 0.45394.
gnomAD v4.1: 585,522 of 1,613,226 alleles (36%); highest among the groups gnomAD compares: African/African-American, 65%; 111,251 homozygotes.

Submissions (13):

Labcorp Genetics (formerly Invitae), Labcorp
Classification: Benign for Gorlin syndrome. Last evaluated: 2026-02-04. Review status: criteria provided, single submitter. Criteria: Invitae Variant Classification Sherloc (09022015). Collection method: clinical testing. Allele origin: germline.

Hereditary Cancer Laboratory, Hospital Universitario 12 de Octubre
Classification: Benign for Hereditary cancer-predisposing syndrome. Last evaluated: 2024-12-19. Review status: criteria provided, single submitter. Criteria: ACMG Guidelines, 2015. Collection method: clinical testing. Allele origin: germline.
Comment: BA1

Blueprint Genetics
Classification: Benign. Last evaluated: 2024-11-27. Review status: criteria provided, single submitter. Criteria: ACMG Guidelines, 2015. Collection method: clinical testing. Allele origin: germline.

KCCC/NGS Laboratory, Kuwait Cancer Control Center
Classification: Benign for Basal cell nevus syndrome 1. Last evaluated: 2023-07-07. Review status: criteria provided, single submitter. Criteria: ACMG Guidelines, 2015. Collection method: clinical testing. Allele origin: germline. Affected: yes.

Mayo Clinic Laboratories, Mayo Clinic
Classification: Benign. Last evaluated: 2022-03-03. Review status: criteria provided, single submitter. Criteria: ACMG Guidelines, 2015. Collection method: clinical testing. Allele origin: germline. Observed: 148 variant alleles.

Genome-Nilou Lab
Classification: Benign for Basal cell nevus syndrome 1. Last evaluated: 2021-10-25. Review status: criteria provided, single submitter. Criteria: ACMG Guidelines, 2015. Collection method: clinical testing. Allele origin: germline. Affected: no.

Genome-Nilou Lab
Classification: Benign for Holoprosencephaly 7. Last evaluated: 2021-10-25. Review status: criteria provided, single submitter. Criteria: ACMG Guidelines, 2015. Collection method: clinical testing. Allele origin: germline. Affected: no.

Illumina Laboratory Services, Illumina
Classification: Benign for Basal cell nevus syndrome 1. Last evaluated: 2018-01-12. Review status: criteria provided, single submitter. Criteria: ICSL Variant Classification Criteria 13 December 2019. Collection method: clinical testing. Allele origin: germline.
Comment: This variant was observed in the ICSL laboratory as part of a predisposition screen in an ostensibly healthy population. It had not been previously curated by ICSL or reported in the Human Gene Mutation Database (HGMD: prior to June 1st, 2018), and was therefore a candidate for classification through an automated scoring system. Utilizing variant allele frequency, disease prevalence and penetrance estimates, and inheritance mode, an automated score was calculated to assess if this variant is too frequent to cause the disease. Based on the score and internal cut-off values, a variant classified as benign is not then subjected to further curation. The score for this variant resulted in a classification of benign for this disease.

Illumina Laboratory Services, Illumina
Classification: Benign for Holoprosencephaly 7. Last evaluated: 2018-01-12. Review status: criteria provided, single submitter. Criteria: ICSL Variant Classification Criteria 13 December 2019. Collection method: clinical testing. Allele origin: germline.
Comment: the same text as in the submission from Illumina Laboratory Services, Illumina above.

Women's Health and Genetics/Laboratory Corporation of America, LabCorp
Classification: Benign. Last evaluated: 2016-05-24. Review status: criteria provided, single submitter. Criteria: LabCorp Variant Classification Summary - May 2015. Collection method: clinical testing. Allele origin: germline.
Comment: Variant summary: The PTCH1 c.2560+9G>C variant involves the alteration of a non-conserved intronic nucleotide. 5/5 splice prediction tools predict no significant impact on normal splicing, however these predictions are yet to be confirmed by functional studies. This variant was found in 43313/120886 control chromosomes (8491 homozygotes) at an overall frequency of 0.3582962, which significantly exceeds the estimated maximal allele frequency of a pathogenic PTCH1 variant (0.0000171), suggesting this variant is a benign polymorphism. Taken together, based on the prevalence in the general population this variant is classified as Benign.

GeneDx
Classification: Benign. Last evaluated: 2015-03-03. Review status: criteria provided, single submitter. Criteria: GeneDx Variant Classification Process June 2021. Collection method: clinical testing. Allele origin: germline. Affected: yes.

Breakthrough Genomics
Classification: Benign. Review status: criteria provided, single submitter. Criteria: ACMG Guidelines, 2015. Collection method: not provided. Allele origin: germline. Inheritance: Autosomal dominant inheritance. Affected: yes.

PreventionGenetics, part of Exact Sciences
Classification: Benign. Review status: criteria provided, single submitter. Criteria: ACMG Guidelines, 2015. Collection method: clinical testing. Allele origin: germline.